The following is an entry in ClinVar:

ClinVar aggregate classification (germline): Pathogenic. Review status: reviewed by expert panel (3 of 4 stars). 4 submissions from 4 submitters: Pathogenic (1). 3 of the submissions do not count toward it. Last evaluated 2024-05-02.

Conditions:
SLC6A8-related disorder. Also called: SLC6A8-related condition.
Creatine transporter deficiency (CCDS1). Also called: CEREBRAL CREATINE DEFICIENCY SYNDROME 1; Creatine Transporter (CRTR) Deficiency; SLC6A8-Related Creatine Transporter Deficiency; CREATINE TRANSPORTER DEFECT; Mental retardation , X-linked with seizures, short stature and midface hypoplasia; Mental retardation , X-linked, with creatine transport deficiency. Identifiers: Orphanet 52503, MedGen C1845862, MONDO:0010305, OMIM 300352.

Submissions (4):

ClinGen Cerebral Creatine Deficiency Syndromes Variant Curation Expert Panel, ClinGen
Classification: Pathogenic for Creatine transporter deficiency. Last evaluated: 2024-05-02. Review status: reviewed by expert panel. Criteria: ClinGen_CCDS_ACMG_Specifications_SLC6A8_v1.1. Collection method: curation. Allele origin: germline. Inheritance: X-linked inheritance.
Comment: The NM_005629.4:c.972_973del (p.Thr325SerfsTer139) variant in SLC6A8 is a frameshift variant predicted to cause a premature stop codon in biologically-relevant-exon 9 out of 13, leading to nonsense mediated decay in a gene in which loss-of-function is an established disease mechanism (PVS1). Two maternal half-brothers have been reported to be hemizygous for the variant, both with clinical features consistent with creatine transporter deficiency, markedly reduced creatine level on brain MRS, elevated urine creatine/creatinine ratio, and <3% transporter activity in fibroblasts (PMID 20602486) (PP4_Strong). This variant is not in gnomAD v2.1.1. or v4.1.0 (PM2_Supporting). There is a ClinVar entry for this variant (Variation ID: 410218). In summary, this variant meets the criteria to be classified as pathogenic for creatine transporter deficiency. SLC6A8-specific ACMG-AMP criteria applied, as specified by the ClinGen Cerebral Creatine Deficiency Syndromes Variant Curation Expert Panel (Specifications Version 1.1.0): PVS1, PP4_Strong, PM2_Supporting. (Classification approved by the ClinGen CCDS VCEP on May 2, 2024)

Blueprint Genetics
Classification: Likely pathogenic for SLC6A8-related disorders. Last evaluated: 2023-02-03. Review status: criteria provided, single submitter. Criteria: ACMG Guidelines, 2015. Collection method: clinical testing. Allele origin: germline. Affected: yes. Observed: 1 variant allele. Not counted in ClinVar's aggregate classification.

Labcorp Genetics (formerly Invitae), Labcorp
Classification: Pathogenic for Creatine transporter deficiency. Last evaluated: 2022-04-18. Review status: criteria provided, single submitter. Criteria: Invitae Variant Classification Sherloc (09022015). Collection method: clinical testing. Allele origin: germline. Not counted in ClinVar's aggregate classification.
Comment: For these reasons, this variant has been classified as Pathogenic. ClinVar contains an entry for this variant (Variation ID: 410218). This premature translational stop signal has been observed in individual(s) with X-linked cerebral creatine deficiency (PMID: 20602486). This variant is not present in population databases (gnomAD no frequency). This sequence change creates a premature translational stop signal (p.Thr325Serfs*139) in the SLC6A8 gene. It is expected to result in an absent or disrupted protein product. Loss-of-function variants in SLC6A8 are known to be pathogenic (PMID: 22281021).

Institute of Human Genetics Munich, TUM University Hospital
Classification: Pathogenic for Creatine transporter deficiency. Last evaluated: 2019-10-04. Review status: criteria provided, single submitter. Criteria: Classification criteria August 2017. Collection method: clinical testing. Allele origin: germline. Inheritance: X-linked inheritance. Affected: yes. Observed: 1 heterozygote. Not counted in ClinVar's aggregate classification.

Literature cited by the submitters: PubMed 20602486 (cited by Labcorp Genetics (formerly Invitae), Labcorp); PubMed 22281021 (cited by Labcorp Genetics (formerly Invitae), Labcorp).

NM_005629.4(SLC6A8):c.974_975del (p.Thr325fs)

Gene: SLC6A8 (solute carrier family 6 member 8; plus strand). Cytogenetic location: Xq28.
Variant type: Microsatellite.
Coding change: c.974_975del on transcript NM_005629.4 (MANE Select); coding-DNA positions 974 to 975, 2 bases deleted (CA; older notation c.974_975delCA).
Protein change: p.Thr325fs; shifts the reading frame from threonine 325.
Molecular consequence: frameshift variant.
Genome position (GRCh38, 1-based): chrX:153,693,324-153,693,325, CA deleted; deleting any 2 consecutive bases within chrX:153,693,322-153,693,325 gives the same sequence; the c. name uses the placement nearest the transcript's 3' end. VCF-style (leftmost placement, unchanged base first): chrX-153693321-TCA-T. GRCh37 (hg19) VCF-style: chrX-152958776-TCA-T.
Other names: NM_005629.4(SLC6A8):c.972_973CA[1]; p.Thr325fs; c.974_975del, p.Thr325fs (NM_001142805.2); c.629_630del, p.Thr210fs (NM_001142806.1); short protein forms T210fs, T325fs.
Identifiers: ClinVar variation 410218 (VCV000410218.15), dbSNP rs1060502808, ClinGen allele CA16616640.